The following is an entry in ClinVar:

NM_177438.3(DICER1):c.2906C>T (p.Ala969Val)

Gene: DICER1 (dicer 1, ribonuclease III; minus strand). Cytogenetic location: 14q32.13.
Variant type: single nucleotide variant.
Coding change: c.2906C>T on transcript NM_177438.3 (MANE Select); coding-DNA position 2906, C replaced by T.
Protein change: p.Ala969Val; replaces alanine 969 with valine.
Molecular consequence: missense variant.
Genome position (GRCh38, 1-based): chr14:95,106,122, G>A on the plus strand (C>T on the coding strand, the complement: DICER1 is on the minus strand). VCF-style: chr14-95106122-G-A. GRCh37 (hg19) VCF-style: chr14-95572459-G-A.
Other names: c.2906C>T, p.Ala969Val (NM_001195573.1, NM_001271282.3, NM_001291628.2 and 1 more transcripts); short protein forms A969V.
Identifiers: ClinVar variation 242075 (VCV000242075.10), dbSNP rs878855253, ClinGen allele CA10583207.

ClinVar aggregate classification (germline): Uncertain significance. Review status: criteria provided, multiple submitters, no conflicts (2 of 4 stars). 2 submissions from 2 submitters: Uncertain significance (2). Last evaluated 2022-07-19.

Conditions:
DICER1-related tumor predisposition. Also called: DICER1 syndrome; DICER1-related pleuropulmonary blastoma cancer predisposition syndrome. Identifiers: Orphanet 284343, MedGen C3839822, MONDO:0100216.

Allele frequency attached by ClinVar (database versions not stated): gnomAD exomes below 0.00001.
gnomAD v4.1: 2 of 1,614,058 alleles (0.00012%); highest among the groups gnomAD compares: Non-Finnish European, 0.00017%; no homozygotes.

Submissions (2):

Labcorp Genetics (formerly Invitae), Labcorp
Classification: Uncertain significance for DICER1-related tumor predisposition. Last evaluated: 2022-07-19. Review status: criteria provided, single submitter. Criteria: Invitae Variant Classification Sherloc (09022015). Collection method: clinical testing. Allele origin: germline.
Comment: In summary, the available evidence is currently insufficient to determine the role of this variant in disease. Therefore, it has been classified as a Variant of Uncertain Significance. Algorithms developed to predict the effect of missense changes on protein structure and function are either unavailable or do not agree on the potential impact of this missense change (SIFT: "Tolerated"; PolyPhen-2: "Probably Damaging"; Align-GVGD: "Class C0"). ClinVar contains an entry for this variant (Variation ID: 242075). This variant has not been reported in the literature in individuals affected with DICER1-related conditions. This variant is not present in population databases (gnomAD no frequency). This sequence change replaces alanine, which is neutral and non-polar, with valine, which is neutral and non-polar, at codon 969 of the DICER1 protein (p.Ala969Val).

GeneDx
Classification: Uncertain significance. Last evaluated: 2020-03-04. Review status: criteria provided, single submitter. Criteria: GeneDx Variant Classification Process June 2021. Collection method: clinical testing. Allele origin: germline. Affected: yes.
Comment: Not observed in large population cohorts (Lek 2016); In silico analysis supports that this missense variant does not alter protein structure/function; Has not been previously published as pathogenic or benign to our knowledge